The following is an entry in ClinVar:

NM_004168.4(SDHA):c.1065-18G>C

Gene: SDHA (succinate dehydrogenase complex flavoprotein subunit A; plus strand). Cytogenetic location: 5p15.33.
Variant type: single nucleotide variant.
Coding change: c.1065-18G>C on transcript NM_004168.4 (MANE Select); 18 bases into the intron before coding-DNA position 1065, G replaced by C.
Molecular consequence: intron variant.
Genome position (GRCh38, 1-based): chr5:235,126, G>C. VCF-style: chr5-235126-G-C. GRCh37 (hg19) VCF-style: chr5-235241-G-C.
Other names: c.1065-18G>C (NM_001330758.2); c.921-18G>C (NM_001294332.2).
Identifiers: ClinVar variation 2951067 (VCV002951067.4), dbSNP rs2477361829, ClinGen allele CA2740091605.

ClinVar aggregate classification (germline): Likely benign. Review status: criteria provided, multiple submitters, no conflicts (2 of 4 stars). 2 submissions from 2 submitters: Likely benign (2). Last evaluated 2025-03-07.

Conditions:
Pheochromocytoma/paraganglioma syndrome 5. Also called: Paragangliomas 5; SDHA-Related Hereditary Paraganglioma-Pheochromocytoma Syndrome. Identifiers: Orphanet 29072, MedGen C3279992, MONDO:0013602, OMIM 614165.
Mitochondrial complex II deficiency, nuclear type 1. Also called: SUCCINATE CoQ REDUCTASE DEFICIENCY. Identifiers: Orphanet 3208, MedGen C5700310, MONDO:0100294, OMIM 252011.

Submissions (2):

Myriad Genetics, Inc.
Classification: Likely benign for Pheochromocytoma/paraganglioma syndrome 5. Last evaluated: 2025-03-07. Review status: criteria provided, single submitter. Criteria: Myriad Autosomal Dominant, Autosomal Recessive and X-Linked Classification Criteria (2023). Collection method: clinical testing. Allele origin: unknown.
Comment: This variant is considered likely benign. This variant is intronic and is not expected to impact mRNA splicing.

Labcorp Genetics (formerly Invitae), Labcorp
Classification: Likely benign for Pheochromocytoma/paraganglioma syndrome 5; Mitochondrial complex II deficiency, nuclear type 1. Last evaluated: 2023-08-17. Review status: criteria provided, single submitter. Criteria: Invitae Variant Classification Sherloc (09022015). Collection method: clinical testing. Allele origin: germline.